The following is an entry in ClinVar:

ClinVar aggregate classification (germline): Likely benign. Review status: criteria provided, multiple submitters, no conflicts (2 of 4 stars). 2 submissions from 2 submitters: Likely benign (2). Last evaluated 2026-07-31.

Conditions:
Familial colorectal cancer type X. Identifiers: Orphanet 440437, MedGen C3896578, MONDO:0018604.

Submissions (2):

Myriad Genetics, Inc.
Classification: Likely benign for Familial colorectal cancer type X. Last evaluated: 2026-07-31. Review status: criteria provided, single submitter. Criteria: Myriad Autosomal Dominant, Autosomal Recessive and X-Linked Classification Criteria (2023). Collection method: clinical testing. Allele origin: unknown.
Comment: This variant is considered likely benign. This variant is intronic and is not expected to impact mRNA splicing.

Labcorp Genetics (formerly Invitae), Labcorp
Classification: Likely benign. Last evaluated: 2020-10-12. Review status: criteria provided, single submitter. Criteria: Invitae Variant Classification Sherloc (09022015). Collection method: clinical testing. Allele origin: germline.

NM_001023.4(RPS20):c.103+7_103+8delinsTT

Gene: RPS20 (ribosomal protein S20; minus strand). Cytogenetic location: 8q12.1.
Variant type: Indel.
Coding change: c.103+7_103+8delinsTT on transcript NM_001023.4 (MANE Select); bases 7 to 8 of the intron after coding-DNA position 103, GC replaced by TT.
Molecular consequence: intron variant.
Genome position (GRCh38, 1-based): chr8:56,074,052-56,074,053, GC replaced by AA on the plus strand (GC replaced by TT on the coding strand, the reverse complement: RPS20 is on the minus strand). VCF-style: chr8-56074052-GC-AA. GRCh37 (hg19) VCF-style: chr8-56986611-GC-AA.
Other names: c.103+7_103+8delinsTT (NM_001146227.3).
Identifiers: ClinVar variation 1110872 (VCV001110872.10), dbSNP rs2129213392, ClinGen allele CA2499219343.